The following is an entry in ClinVar:

NM_006904.7(PRKDC):c.2348A>G (p.His783Arg)

Gene: PRKDC (protein kinase, DNA-activated, catalytic subunit; minus strand). Cytogenetic location: 8q11.21.
Variant type: single nucleotide variant.
Coding change: c.2348A>G on transcript NM_006904.7 (MANE Select); coding-DNA position 2348, A replaced by G.
Protein change: p.His783Arg; replaces histidine 783 with arginine.
Molecular consequence: missense variant.
Genome position (GRCh38, 1-based): chr8:47,927,265, T>C on the plus strand (A>G on the coding strand, the complement: PRKDC is on the minus strand). VCF-style: chr8-47927265-T-C. GRCh37 (hg19) VCF-style: chr8-48839825-T-C.
Other names: c.2348A>G, p.His783Arg (NM_001081640.2); short protein forms H783R.
Identifiers: ClinVar variation 2453313 (VCV002453313.2), dbSNP rs1563807171, ClinGen allele CA371161794.
Genomic context (GRCh38, chr8:47,927,265, plus strand): 5'-GAAGTCTTCAGGTATCCATCCAGGCAGGGGAGAATGTCTTTGTAATAAGGCTGCATTACA[T>C]GTCTGTCAATATAAATTGACCATTCTTCTAGAGCATTCAGGCCTACTTCTGCCAAGGGGG-3'
Protein context (NP_008835.5, residues 773-793): LEEWSIYIDR[His783Arg]VMQPYYKDIL

ClinVar aggregate classification (germline): Uncertain significance (1 of 4 stars; one submission).

Submission:

Ambry Genetics
Classification: Uncertain significance. Last evaluated: 2023-02-20. Review status: criteria provided, single submitter. Criteria: Ambry Variant Classification Scheme 2023. Collection method: clinical testing. Allele origin: germline.
Comment: The p.H783R variant (also known as c.2348A>G), located in coding exon 21 of the PRKDC gene, results from an A to G substitution at nucleotide position 2348. The histidine at codon 783 is replaced by arginine, an amino acid with highly similar properties. This amino acid position is conserved. In addition, this alteration is predicted to be tolerated by in silico analysis. Since supporting evidence is limited at this time, the clinical significance of this alteration remains unclear.